The following is an entry in ClinVar:

ClinVar aggregate classification (germline): Uncertain significance (1 of 4 stars; one submission).

Conditions:
Hereditary cancer-predisposing syndrome. Also called: Tumor predisposition; Neoplastic Syndromes, Hereditary; Hereditary neoplastic syndrome; Hereditary Cancer Syndrome. Identifiers: Orphanet 140162, MedGen C0027672, MeSH D009386, MONDO:0015356.

Submission:

Ambry Genetics
Classification: Uncertain significance for Hereditary cancer-predisposing syndrome. Last evaluated: 2024-09-01. Review status: criteria provided, single submitter. Criteria: Ambry Variant Classification Scheme 2023. Collection method: clinical testing. Allele origin: germline.
Comment: The p.A1699T variant (also known as c.5095G>A), located in coding exon 33 of the ATM gene, results from a G to A substitution at nucleotide position 5095. The alanine at codon 1699 is replaced by threonine, an amino acid with similar properties. This amino acid position is conserved. In addition, this alteration is predicted to be tolerated by in silico analysis. Based on the available evidence, the clinical significance of this variant remains unclear.

NM_000051.4(ATM):c.5095G>A (p.Ala1699Thr)

Gene: ATM (ATM serine/threonine kinase; plus strand). Cytogenetic location: 11q22.3.
Variant type: single nucleotide variant.
Coding change: c.5095G>A on transcript NM_000051.4 (MANE Select); coding-DNA position 5095, G replaced by A.
Protein change: p.Ala1699Thr; replaces alanine 1699 with threonine.
Molecular consequence: missense variant.
Genome position (GRCh38, 1-based): chr11:108,299,803, G>A. VCF-style: chr11-108299803-G-A. GRCh37 (hg19) VCF-style: chr11-108170530-G-A.
Other names: c.5095G>A, p.Ala1699Thr (NM_001351834.2); short protein forms A1699T.
Identifiers: ClinVar variation 3451067 (VCV003451067.1).